The following is an entry in ClinVar:

NM_198253.3(TERT):c.1974G>A (p.Val658=)

Gene: TERT (telomerase reverse transcriptase; minus strand). Cytogenetic location: 5p15.33.
Variant type: single nucleotide variant.
Coding change: c.1974G>A on transcript NM_198253.3 (MANE Select); coding-DNA position 1974, G replaced by A.
Protein change: p.Val658=; no amino-acid change (valine 658 retained).
Molecular consequence: synonymous variant. On other transcripts: non-coding transcript variant (2).
Genome position (GRCh38, 1-based): chr5:1,279,447, C>T on the plus strand (G>A on the coding strand, the complement: TERT is on the minus strand). VCF-style: chr5-1279447-C-T. GRCh37 (hg19) VCF-style: chr5-1279562-C-T.
Other names: c.1974G>A, p.Val658= (NM_001193376.3).
Identifiers: ClinVar variation 416276 (VCV000416276.46), dbSNP rs778496417, ClinGen allele CA3184695.

ClinVar aggregate classification (germline): Conflicting classifications of pathogenicity. Review status: criteria provided, conflicting classifications (1 of 4 stars). 10 submissions from 8 submitters: Uncertain significance (5); Likely benign (4). 1 of the submissions does not count toward it. Last evaluated 2026-08-01.

Conditions:
Idiopathic Pulmonary Fibrosis. Also called: Idiopathic fibrosing alveolitis, chronic form; idiopathic fibrosing alveolitis. Identifiers: Orphanet 2032, MedGen C1800706, MeSH D054990, MONDO:0800504.
Dyskeratosis congenita, autosomal dominant 2. Identifiers: MedGen C3151443, MONDO:0013521, OMIM 613989.
Pulmonary fibrosis and/or bone marrow failure, Telomere-related, 1. Also called: PULMONARY FIBROSIS AND/OR BONE MARROW FAILURE SYNDROME, TELOMERE-RELATED, 1. Identifiers: Orphanet 88, MedGen C3553617, MONDO:0013878, OMIM 614742.
TERT-related disorder. Also called: TERT-related condition; TERT-related disorders.
Dyskeratosis congenita. Identifiers: Orphanet 1775, MedGen C0265965, MONDO:0015780.
Aplastic anemia. Identifiers: Orphanet 182040, Orphanet 88, MedGen C0002874, MONDO:0015909, OMIM 609135, HP:0001915.

Allele frequency attached by ClinVar (database versions not stated): ExAC below 0.00001; gnomAD exomes 0.00007 and 0.00011; gnomAD 0.00008 and 0.00009; TOPMed 0.00008.
gnomAD v4.1: 156 of 1,550,142 alleles (0.01%); highest among the groups gnomAD compares: Non-Finnish European, 0.013%; no homozygotes.

Submissions (10):

CeGaT Center for Human Genetics Tuebingen
Classification: Likely benign. Last evaluated: 2026-08-01. Review status: criteria provided, single submitter. Criteria: CeGaT Center For Human Genetics Tuebingen Variant Classification Criteria Version 2. Collection method: clinical testing. Allele origin: germline. Affected: yes. Observed: 3 variant alleles.
Comment: TERT: BP4, BP7

Labcorp Genetics (formerly Invitae), Labcorp
Classification: Likely benign for Dyskeratosis congenita, autosomal dominant 2; Idiopathic Pulmonary Fibrosis. Last evaluated: 2026-01-29. Review status: criteria provided, single submitter. Criteria: Invitae Variant Classification Sherloc (09022015). Collection method: clinical testing. Allele origin: germline.

Blueprint Genetics
Classification: Uncertain significance. Last evaluated: 2023-09-18. Review status: criteria provided, single submitter. Criteria: ACMG Guidelines, 2015. Collection method: clinical testing. Allele origin: germline.

Sema4
Classification: Likely benign for Dyskeratosis congenita. Last evaluated: 2020-10-12. Review status: criteria provided, single submitter. Criteria: Sema4 Curation Guidelines. Collection method: curation. Allele origin: germline.

Illumina Laboratory Services, Illumina
Classification: Uncertain significance for Dyskeratosis congenita, autosomal dominant 2. Last evaluated: 2018-01-13. Review status: criteria provided, single submitter. Criteria: ICSL Variant Classification Criteria 13 December 2019. Collection method: clinical testing. Allele origin: germline.

Illumina Laboratory Services, Illumina
Classification: Uncertain significance for Pulmonary fibrosis and/or bone marrow failure, Telomere-related, 1. Last evaluated: 2018-01-13. Review status: criteria provided, single submitter. Criteria: ICSL Variant Classification Criteria 13 December 2019. Collection method: clinical testing. Allele origin: germline.

Illumina Laboratory Services, Illumina
Classification: Uncertain significance for Aplastic anemia. Last evaluated: 2018-01-13. Review status: criteria provided, single submitter. Criteria: ICSL Variant Classification Criteria 13 December 2019. Collection method: clinical testing. Allele origin: germline.

Genetic Services Laboratory, University of Chicago
Classification: Uncertain significance. Last evaluated: 2017-12-11. Review status: criteria provided, single submitter. Criteria: ACMG Guidelines, 2015. Collection method: clinical testing. Allele origin: germline. Affected: no.

Ambry Genetics
Classification: Likely benign for Dyskeratosis congenita. Last evaluated: 2016-03-24. Review status: criteria provided, single submitter. Criteria: Ambry Variant Classification Scheme 2023. Collection method: clinical testing. Allele origin: germline.

PreventionGenetics, part of Exact Sciences
Classification: Likely benign for TERT-related condition. Last evaluated: 2024-01-11. Review status: no assertion criteria provided. Collection method: clinical testing. Allele origin: germline. Not counted in ClinVar's aggregate classification.
Comment: This variant is classified as likely benign based on ACMG/AMP sequence variant interpretation guidelines (Richards et al. 2015 PMID: 25741868, with internal and published modifications).